The following is an entry in ClinVar:

NM_002890.3(RASA1):c.1804G>T (p.Glu602Ter)

Genes: CCNH (cyclin H; minus strand), RASA1 (RAS p21 protein activator 1; plus strand). Cytogenetic location: 5q14.3.
Variant type: single nucleotide variant.
Coding change: c.1804G>T on transcript NM_002890.3 (MANE Select); coding-DNA position 1804, G replaced by T.
Protein change: p.Glu602Ter; replaces glutamic acid 602 with a stop codon.
Molecular consequence: nonsense. On other transcripts: intron variant (1).
Genome position (GRCh38, 1-based): chr5:87,374,190, G>T. VCF-style: chr5-87374190-G-T. GRCh37 (hg19) VCF-style: chr5-86670007-G-T.
Other names: c.1273G>T, p.Glu425Ter (NM_022650.3); c.933+20854C>A (NM_001364075.2); short protein forms E425*, E602*.
Identifiers: ClinVar variation 2630035 (VCV002630035.1), dbSNP rs2531338258, ClinGen allele CA360373750.

ClinVar aggregate classification (germline): Likely pathogenic (1 of 4 stars; one submission).

Conditions:
RASA1-related disorder. Also called: RASA1-related condition.

Submission:

PreventionGenetics, part of Exact Sciences
Classification: Likely pathogenic for RASA1-related condition. Last evaluated: 2022-12-17. Review status: criteria provided, single submitter. Criteria: ACMG Guidelines, 2015. Collection method: clinical testing. Allele origin: germline.
Comment: The RASA1 c.1804G>T variant is predicted to result in premature protein termination (p.Glu602*). To our knowledge, this variant has not been reported in the literature or in a large population database, indicating this variant is rare. Nonsense variants in RASA1 are expected to be pathogenic. This variant is interpreted as likely pathogenic.